The following is an entry in ClinVar:

NM_001171613.2(PREPL):c.1827+4T>C

Genes: PREPL (prolyl endopeptidase like; minus strand), SLC3A1 (solute carrier family 3 member 1; plus strand). Cytogenetic location: 2p21.
Variant type: single nucleotide variant.
Coding change: c.1827+4T>C on transcript NM_001171613.2 (MANE Select); 4 bases into the intron after coding-DNA position 1827, T replaced by C.
Molecular consequence: intron variant.
Genome position (GRCh38, 1-based): chr2:44,321,823, A>G on the plus strand (T>C on the coding strand, the complement: PREPL is on the minus strand). VCF-style: chr2-44321823-A-G. GRCh37 (hg19) VCF-style: chr2-44548962-A-G.
Other names: c.1827+4T>C (NM_001171617.1, NM_001374277.1); c.2094+4T>C (NM_001171603.1, NM_001374275.1, NM_001374276.1 and 2 more transcripts); c.1908+4T>C (NM_001042385.2); c.1896+4T>C (NM_001042386.2).
Identifiers: ClinVar variation 3030251 (VCV003030251.2), dbSNP rs1363656459, ClinGen allele CA769106030.

ClinVar aggregate classification (germline): Likely benign (0 of 4 stars; one submission).

Conditions:
PREPL-related disorder. Also called: PREPL-related condition.

Allele frequency attached by ClinVar (database versions not stated): gnomAD exomes below 0.00001; TOPMed 0.00001.
gnomAD v4.1: 2 of 1,613,864 alleles (0.00012%); highest among the groups gnomAD compares: Non-Finnish European, 0.00017%; no homozygotes.

Submission:

PreventionGenetics, part of Exact Sciences
Classification: Likely benign for PREPL-related condition. Last evaluated: 2021-02-03. Review status: no assertion criteria provided. Collection method: clinical testing. Allele origin: germline.
Comment: This variant is classified as likely benign based on ACMG/AMP sequence variant interpretation guidelines (Richards et al. 2015 PMID: 25741868, with internal and published modifications).